The following is an entry in ClinVar:

ClinVar aggregate classification (germline): Uncertain significance (1 of 4 stars; one submission).

Submission:

Labcorp Genetics (formerly Invitae), Labcorp
Classification: Uncertain significance. Last evaluated: 2022-04-13. Review status: criteria provided, single submitter. Criteria: Invitae Variant Classification Sherloc (09022015). Collection method: clinical testing. Allele origin: germline.
Comment: In summary, the available evidence is currently insufficient to determine the role of this variant in disease. Therefore, it has been classified as a Variant of Uncertain Significance. Variants that disrupt the consensus splice site are a relatively common cause of aberrant splicing (PMID: 17576681, 9536098). Algorithms developed to predict the effect of sequence changes on RNA splicing suggest that this variant is not likely to affect RNA splicing. This variant has not been reported in the literature in individuals affected with RINT1-related conditions. This variant is not present in population databases (gnomAD no frequency). This sequence change falls in intron 6 of the RINT1 gene. It does not directly change the encoded amino acid sequence of the RINT1 protein. It affects a nucleotide within the consensus splice site.

Literature cited by the submitters: PubMed 17576681; PubMed 9536098.

NM_021930.6(RINT1):c.839+5C>A

Gene: RINT1 (RAD50 interactor 1; plus strand). Cytogenetic location: 7q22.3.
Variant type: single nucleotide variant.
Coding change: c.839+5C>A on transcript NM_021930.6 (MANE Select); 5 bases into the intron after coding-DNA position 839, C replaced by A.
Molecular consequence: intron variant.
Genome position (GRCh38, 1-based): chr7:105,547,338, C>A. VCF-style: chr7-105547338-C-A. GRCh37 (hg19) VCF-style: chr7-105187785-C-A.
Other names: c.-181+5C>A (NM_001346600.2); c.-84+5C>A (NM_001346601.2); c.-27-2717C>A (NM_001346603.2); c.605+5C>A (NM_001346599.2).
Identifiers: ClinVar variation 1976067 (VCV001976067.5), dbSNP rs1026023752, ClinGen allele CA2580076100.